The following is an entry in ClinVar:

NM_000552.5(VWF):c.1981T>G (p.Cys661Gly)

Gene: VWF (von Willebrand factor; minus strand). Cytogenetic location: 12p13.31.
Variant type: single nucleotide variant.
Coding change: c.1981T>G on transcript NM_000552.5 (MANE Select); coding-DNA position 1981, T replaced by G.
Protein change: p.Cys661Gly; replaces cysteine 661 with glycine.
Molecular consequence: missense variant.
Genome position (GRCh38, 1-based): chr12:6,052,748, A>C on the plus strand (T>G on the coding strand, the complement: VWF is on the minus strand). VCF-style: chr12-6052748-A-C. GRCh37 (hg19) VCF-style: chr12-6161914-A-C.
Other names: short protein forms C661G.
Identifiers: ClinVar variation 3766626 (VCV003766626.1).

ClinVar aggregate classification (germline): Uncertain significance (1 of 4 stars; one submission).

gnomAD v4.1: 2 of 1,613,884 alleles (0.00012%); highest among the groups gnomAD compares: Admixed American, 0.0033%; no homozygotes.

Submission:

ARUP Laboratories, Molecular Genetics and Genomics, ARUP Laboratories
Classification: Uncertain significance. Last evaluated: 2024-05-21. Review status: criteria provided, single submitter. Criteria: ARUP Molecular Germline Variant Investigation Process 2024. Collection method: clinical testing. Allele origin: germline.
Comment: The VWF c.1981T>G; p.Cys661Gly variant (rs1401763967), to our knowledge, is not reported in the medical literature or gene specific databases. This variant is only observed on two alleles in the Genome Aggregation Database (v2.1.1), indicating it is not a common polymorphism. Computational analyses predict that this variant is deleterious (REVEL: 0.952). However, given the lack of clinical and functional data, the significance of this variant is uncertain at this time.